The following is an entry in ClinVar:

NM_000329.3(RPE65):c.643+3G>A

Gene: RPE65 (retinoid isomerohydrolase RPE65; minus strand). Cytogenetic location: 1p31.3.
Variant type: single nucleotide variant.
Coding change: c.643+3G>A on transcript NM_000329.3 (MANE Select); 3 bases into the intron after coding-DNA position 643, G replaced by A.
Molecular consequence: intron variant.
Genome position (GRCh38, 1-based): chr1:68,440,850, C>T on the plus strand (G>A on the coding strand, the complement: RPE65 is on the minus strand). VCF-style: chr1-68440850-C-T. GRCh37 (hg19) VCF-style: chr1-68906533-C-T.
Identifiers: ClinVar variation 1405386 (VCV001405386.3), dbSNP rs1277690393, ClinGen allele CA738202691.

ClinVar aggregate classification (germline): Uncertain significance (1 of 4 stars; one submission).

Conditions:
Leber congenital amaurosis 2 (LCA2). Also called: Autosomal Recessive RPE65-Related Retinal Degeneration; AMAUROSIS CONGENITA OF LEBER II. Identifiers: Orphanet 65, MedGen C1859844, MONDO:0008765, OMIM 204100. Disease mechanism: loss of function.
Retinitis pigmentosa 20 (RP20). Identifiers: Orphanet 791, MedGen C3151086, MONDO:0013425, OMIM 613794.

Allele frequency attached by ClinVar (database versions not stated): gnomAD exomes below 0.00001.
gnomAD v4.1: 5 of 1,613,846 alleles (0.00031%); highest among the groups gnomAD compares: Non-Finnish European, 0.00042%; no homozygotes.

Submission:

Labcorp Genetics (formerly Invitae), Labcorp
Classification: Uncertain significance for Leber congenital amaurosis 2; Retinitis pigmentosa 20. Last evaluated: 2021-07-12. Review status: criteria provided, single submitter. Criteria: Invitae Variant Classification Sherloc (09022015). Collection method: clinical testing. Allele origin: germline.
Comment: This sequence change falls in intron 6 of the RPE65 gene. It does not directly change the encoded amino acid sequence of the RPE65 protein. It affects a nucleotide within the consensus splice site of the intron. This variant is not present in population databases (ExAC no frequency). This variant has not been reported in the literature in individuals affected with RPE65-related conditions. Nucleotide substitutions within the consensus splice site are a relatively common cause of aberrant splicing (PMID: 17576681, 9536098). Algorithms developed to predict the effect of sequence changes on RNA splicing suggest that this variant is not likely to affect RNA splicing. In summary, the available evidence is currently insufficient to determine the role of this variant in disease. Therefore, it has been classified as a Variant of Uncertain Significance.

Literature cited by the submitters: PubMed 17576681; PubMed 9536098.